The following is an entry in ClinVar:

NM_001023570.4(IQCB1):c.1720G>A (p.Asp574Asn)

Gene: IQCB1 (IQ motif containing B1; minus strand). Cytogenetic location: 3q13.33.
Variant type: single nucleotide variant.
Coding change: c.1720G>A on transcript NM_001023570.4 (MANE Select); coding-DNA position 1720, G replaced by A.
Protein change: p.Asp574Asn; replaces aspartic acid 574 with asparagine.
Molecular consequence: missense variant. On other transcripts: non-coding transcript variant (1).
Genome position (GRCh38, 1-based): chr3:121,770,422, C>T on the plus strand (G>A on the coding strand, the complement: IQCB1 is on the minus strand). VCF-style: chr3-121770422-C-T. GRCh37 (hg19) VCF-style: chr3-121489269-C-T.
Other names: c.1321G>A, p.Asp441Asn (NM_001023571.4); c.1720G>A, p.Asp574Asn (NM_001319107.2); short protein forms D441N, D574N.
Identifiers: ClinVar variation 1965841 (VCV001965841.5), dbSNP rs1201232022, ClinGen allele CA354108592.

ClinVar aggregate classification (germline): Uncertain significance (1 of 4 stars; one submission).

Conditions:
Nephronophthisis. Also called: Juvenile Nephronophthisis. Identifiers: Orphanet 655, MedGen C0687120, MONDO:0019005, HP:0000090.

Allele frequency attached by ClinVar (database versions not stated): gnomAD 0.00003.

Submission:

Labcorp Genetics (formerly Invitae), Labcorp
Classification: Uncertain significance for Nephronophthisis. Last evaluated: 2022-03-04. Review status: criteria provided, single submitter. Criteria: Invitae Variant Classification Sherloc (09022015). Collection method: clinical testing. Allele origin: germline.
Comment: In summary, the available evidence is currently insufficient to determine the role of this variant in disease. Therefore, it has been classified as a Variant of Uncertain Significance. Algorithms developed to predict the effect of missense changes on protein structure and function output the following: SIFT: "Deleterious"; PolyPhen-2: "Benign"; Align-GVGD: "Class C0". The asparagine amino acid residue is found in multiple mammalian species, which suggests that this missense change does not adversely affect protein function. This variant has not been reported in the literature in individuals affected with IQCB1-related conditions. This variant is present in population databases (no rsID available, gnomAD 0.006%). This sequence change replaces aspartic acid, which is acidic and polar, with asparagine, which is neutral and polar, at codon 574 of the IQCB1 protein (p.Asp574Asn).